The following is an entry in ClinVar:

ClinVar aggregate classification (germline): Uncertain significance. Review status: criteria provided, multiple submitters, no conflicts (2 of 4 stars). 2 submissions from 2 submitters: Uncertain significance (2). Last evaluated 2025-12-08.

Conditions:
Cardiovascular phenotype. Identifiers: MedGen CN230736.
RASopathy. Also called: rasopathies; Noonan spectrum disorder. Identifiers: Orphanet 536391, MedGen C5555857, MONDO:0021060.

Allele frequency attached by ClinVar (database versions not stated): gnomAD 0.00001; gnomAD exomes 0.00001; TOPMed 0.00002.
gnomAD v4.1: 17 of 1,613,876 alleles (0.0011%); highest among the groups gnomAD compares: African/African-American, 0.0013%; no homozygotes.

Submissions (2):

Labcorp Genetics (formerly Invitae), Labcorp
Classification: Uncertain significance for RASopathy. Last evaluated: 2025-12-08. Review status: criteria provided, single submitter. Criteria: Invitae Variant Classification Sherloc (09022015). Collection method: clinical testing. Allele origin: germline.
Comment: This sequence change replaces arginine, which is basic and polar, with histidine, which is basic and polar, at codon 563 of the CBL protein (p.Arg563His). This variant is present in population databases (no rsID available, gnomAD 0.002%). This variant has not been reported in the literature in individuals affected with CBL-related conditions. ClinVar contains an entry for this variant (Variation ID: 1504860). Invitae Evidence Modeling of protein sequence and biophysical properties (such as structural, functional, and spatial information, amino acid conservation, physicochemical variation, residue mobility, and thermodynamic stability) indicates that this missense variant is not expected to disrupt CBL protein function with a negative predictive value of 95%. In summary, the available evidence is currently insufficient to determine the role of this variant in disease. Therefore, it has been classified as a Variant of Uncertain Significance.

Ambry Genetics
Classification: Uncertain significance for Cardiovascular phenotype. Last evaluated: 2025-02-02. Review status: criteria provided, single submitter. Criteria: Ambry Variant Classification Scheme 2023. Collection method: clinical testing. Allele origin: germline.
Comment: The p.R563H variant (also known as c.1688G>A), located in coding exon 11 of the CBL gene, results from a G to A substitution at nucleotide position 1688. The arginine at codon 563 is replaced by histidine, an amino acid with highly similar properties. This amino acid position is conserved. In addition, the in silico prediction for this alteration is inconclusive. Based on the available evidence, the clinical significance of this variant remains unclear.

NM_005188.4(CBL):c.1688G>A (p.Arg563His)

Gene: CBL (Cbl proto-oncogene; plus strand). Cytogenetic location: 11q23.3.
Variant type: single nucleotide variant.
Coding change: c.1688G>A on transcript NM_005188.4 (MANE Select); coding-DNA position 1688, G replaced by A.
Protein change: p.Arg563His; replaces arginine 563 with histidine.
Molecular consequence: missense variant.
Genome position (GRCh38, 1-based): chr11:119,285,313, G>A. VCF-style: chr11-119285313-G-A. GRCh37 (hg19) VCF-style: chr11-119156023-G-A.
Other names: c.1688G>A (NM_005188.2); short protein forms R563H.
Identifiers: ClinVar variation 1504860 (VCV001504860.9), dbSNP rs1423287961, ClinGen allele CA382919660.